The following is an entry in ClinVar:

NM_001199397.3(NEK1):c.214+186G>A

Gene: NEK1 (NIMA related kinase 1; minus strand). Cytogenetic location: 4q33.
Variant type: single nucleotide variant.
Coding change: c.214+186G>A on transcript NM_001199397.3 (MANE Select); 186 bases into the intron after coding-DNA position 214, G replaced by A.
Molecular consequence: intron variant.
Genome position (GRCh38, 1-based): chr4:169,601,822, C>T on the plus strand (G>A on the coding strand, the complement: NEK1 is on the minus strand). VCF-style: chr4-169601822-C-T. GRCh37 (hg19) VCF-style: chr4-170522973-C-T.
Other names: c.214+186G>A (NM_001374421.1, NM_001374420.1, NM_001199399.3 and 7 more transcripts).
Identifiers: ClinVar variation 671200 (VCV000671200.1), dbSNP rs4692570, ClinGen allele CA11795598.

ClinVar aggregate classification (germline): Benign (1 of 4 stars; one submission).

Allele frequency attached by ClinVar (database versions not stated): TOPMed 0.44628; 1000 Genomes Project 30x 0.44769; gnomAD 0.45088 and 0.45893; 1000 Genomes Project 0.45747.
gnomAD v4.1: 68,878 of 149,940 alleles (46%); highest among the groups gnomAD compares: East Asian, 76%; 18,404 homozygotes.

Submission:

GeneDx
Classification: Benign. Last evaluated: 2018-06-14. Review status: criteria provided, single submitter. Criteria: GeneDx Variant Classification (06012015). Collection method: clinical testing. Allele origin: germline. Affected: yes.
Comment: This variant is considered likely benign or benign based on one or more of the following criteria: it is a conservative change, it occurs at a poorly conserved position in the protein, it is predicted to be benign by multiple in silico algorithms, and/or has population frequency not consistent with disease.